The following is an entry in ClinVar:

NM_003000.3(SDHB):c.605_609dup (p.Asp204fs)

Gene: SDHB (succinate dehydrogenase complex iron sulfur subunit B; minus strand). Cytogenetic location: 1p36.13.
Variant type: Duplication.
Coding change: c.605_609dup on transcript NM_003000.3 (MANE Select); coding-DNA positions 605 to 609, 5 bases duplicated (ACGGA; older notation c.605_609dupACGGA).
Protein change: p.Asp204fs; shifts the reading frame from aspartic acid 204.
Molecular consequence: frameshift variant.
Genome position (GRCh38, 1-based): chr1:17,024,006-17,024,010, TCCGT duplicated on the plus strand (ACGGA on the coding strand, the reverse complement: SDHB is on the minus strand); duplicating any 5 consecutive bases within chr1:17,024,006-17,024,013 gives the same sequence; the c. name uses the placement nearest the transcript's 3' end. VCF-style (leftmost placement, unchanged base first): chr1-17024005-C-CTCCGT. GRCh37 (hg19) VCF-style: chr1-17350500-C-CTCCGT.
Other names: c.605_609dupACGGA (NM_003000.2); short protein forms D204fs.
Identifiers: ClinVar variation 428919 (VCV000428919.10), dbSNP rs1131691050, ClinGen allele CA645369142.

ClinVar aggregate classification (germline): Pathogenic. Review status: criteria provided, multiple submitters, no conflicts (2 of 4 stars). 2 submissions from 2 submitters: Pathogenic (2). Last evaluated 2024-08-04.

Conditions:
Hereditary cancer-predisposing syndrome. Also called: Neoplastic Syndromes, Hereditary; Hereditary Cancer Syndrome; Hereditary neoplastic syndrome; Tumor predisposition. Identifiers: Orphanet 140162, MedGen C0027672, MeSH D009386, MONDO:0015356.
Pheochromocytoma/paraganglioma syndrome 4. Also called: PARAGANGLIOMA, FAMILIAL MALIGNANT; PARAGANGLIOMAS, HEREDITARY EXTRAADRENAL; PHEOCHROMOCYTOMA, FAMILIAL EXTRAADRENAL; Paragangliomas 4; CAROTID BODY TUMORS AND MULTIPLE EXTRAADRENAL PHEOCHROMOCYTOMAS; SDHB-Related Hereditary Paraganglioma-Pheochromocytoma Syndrome (Paragangliomas 4). Identifiers: Orphanet 29072, MedGen C1861848, MONDO:0007273, OMIM 115310.
Gastrointestinal stromal tumor. Also called: Gastrointestinal stroma tumor; Gastrointestinal stromal tumor, somatic. Identifiers: Orphanet 44890, MedGen C0238198, MeSH D046152, MONDO:0011719, OMIM 606764, HP:0100723.
Pheochromocytoma. Also called: MAX-Related Hereditary Paraganglioma-Pheochromocytoma Syndrome. Identifiers: Orphanet 29072, MedGen C0031511, MONDO:0008233, OMIM 171300, HP:0002666.

Submissions (2):

Labcorp Genetics (formerly Invitae), Labcorp
Classification: Pathogenic for Gastrointestinal stromal tumor; Pheochromocytoma/paraganglioma syndrome 4; Pheochromocytoma. Last evaluated: 2024-08-04. Review status: criteria provided, single submitter. Criteria: Invitae Variant Classification Sherloc (09022015). Collection method: clinical testing. Allele origin: germline.
Comment: This sequence change creates a premature translational stop signal (p.Asp204Thrfs*18) in the SDHB gene. It is expected to result in an absent or disrupted protein product. Loss-of-function variants in SDHB are known to be pathogenic (PMID: 19454582, 19802898). This variant is not present in population databases (gnomAD no frequency). This variant has not been reported in the literature in individuals affected with SDHB-related conditions. ClinVar contains an entry for this variant (Variation ID: 428919). For these reasons, this variant has been classified as Pathogenic.

Ambry Genetics
Classification: Pathogenic for Hereditary cancer-predisposing syndrome. Last evaluated: 2024-01-02. Review status: criteria provided, single submitter. Criteria: Ambry Variant Classification Scheme 2023. Collection method: clinical testing. Allele origin: germline.
Comment: The c.605_609dupACGGA pathogenic mutation, located in coding exon 6 of the SDHB gene, results from a duplication of ACGGA at nucleotide position 605, causing a translational frameshift with a predicted alternate stop codon (p.D204Tfs*18). This alteration is expected to result in loss of function by premature protein truncation or nonsense-mediated mRNA decay. As such, this alteration is interpreted as a disease-causing mutation.

Literature cited by the submitters: PubMed 19454582 (cited by Labcorp Genetics (formerly Invitae), Labcorp); PubMed 19802898 (cited by Labcorp Genetics (formerly Invitae), Labcorp).